The following is an entry in ClinVar:

ClinVar aggregate classification (germline): Uncertain significance. Review status: criteria provided, multiple submitters, no conflicts (2 of 4 stars). 12 submissions from 12 submitters: Uncertain significance (10). 2 of the submissions do not count toward it. Last evaluated 2025-07-31.

Conditions:
Hereditary breast ovarian cancer syndrome. Also called: Hereditary breast and ovarian cancer syndrome; Breast and ovarian cancer; Hereditary breast and ovarian cancer; Hereditary breast and ovarian cancer syndrome (HBOC); BRCA1- and BRCA2-Associated Hereditary Breast and Ovarian Cancer; Hereditary breast and/or ovarian cancer syndrome. Identifiers: Orphanet 145, MedGen C0677776, MeSH D061325, MONDO:0003582. Disease mechanism: loss of function.
Breast-ovarian cancer, familial, susceptibility to, 2 (BROVCA2). Also called: BRCA2 Hereditary Breast and Ovarian Cancer. Identifiers: Orphanet 145, MedGen C2675520, MONDO:0012933, OMIM 612555. Disease mechanism: loss of function.
Familial cancer of breast. Also called: hereditary breast carcinoma; BREAST CANCER, FAMILIAL; Hereditary breast cancer. Identifiers: Orphanet 227535, MedGen C0346153, MONDO:0016419, OMIM 114480. Disease mechanism: loss of function.
Fanconi anemia complementation group D1. Also called: BRCA2-Related Fanconi Anemia. Identifiers: Orphanet 319462, MedGen C1838457, MONDO:0011584, OMIM 605724.
Medulloblastoma (MDB). Also called: MEDULLOBLASTOMA PREDISPOSITION SYNDROME; Medulloblastoma, somatic. Identifiers: Orphanet 616, MedGen C0025149, MeSH D008527, MONDO:0007959, OMIM 155255, HP:0002885.
Prostate cancer. Also called: Malignant tumor of prostate. Identifiers: Orphanet 1331, MedGen C0376358, MONDO:0008315, HP:0012125.
Wilms tumor 1 (WT1). Also called: Wilms tumor, somatic. Identifiers: Orphanet 654, MedGen CN033288, MONDO:0008679, OMIM 194070.
Pancreatic cancer, susceptibility to, 2. Identifiers: Orphanet 1333, MedGen C3150546, MONDO:0013235, OMIM 613347.
Glioma susceptibility 3 (GLM3). Also called: Glioblastoma 3. Identifiers: Orphanet 182067, Orphanet 360, MedGen C2751641, MONDO:0013093, OMIM 613029.
Hereditary cancer-predisposing syndrome. Also called: Hereditary neoplastic syndrome; Hereditary Cancer Syndrome; Neoplastic Syndromes, Hereditary; Tumor predisposition. Identifiers: Orphanet 140162, MedGen C0027672, MeSH D009386, MONDO:0015356.

Allele frequency attached by ClinVar (database versions not stated): TOPMed 0.00001; gnomAD exomes below 0.00001; gnomAD 0.00002.
gnomAD v4.1: 4 of 1,609,992 alleles (0.00025%); highest among the groups gnomAD compares: African/African-American, 0.0053%; no homozygotes.

Submissions (12):

Ambry Genetics
Classification: Uncertain significance for Hereditary cancer-predisposing syndrome. Last evaluated: 2025-07-31. Review status: criteria provided, single submitter. Criteria: Ambry Variant Classification Scheme 2023. Collection method: clinical testing. Allele origin: germline.
Comment: The c.8331+3A>C intronic variant (also known as 8559+3A>C) results from an A to C substitution 3 nucleotides after coding exon 17 in the BRCA2 gene. This nucleotide position is well conserved in available vertebrate species. In silico splice site analysis predicts that this alteration will weaken the native splice donor site. RNA studies have demonstrated that this alteration results in an incomplete splice defect; the clinical impact of this abnormal splicing is unknown at this time (Ambry internal data; Casadei S et al. Proc. Natl. Acad. Sci. U.S.A. 2019 116(52): 26798&ndash;26807). Based on the available evidence, the clinical significance of this variant remains unclear.

Labcorp Genetics (formerly Invitae), Labcorp
Classification: Uncertain significance for Hereditary breast ovarian cancer syndrome. Last evaluated: 2025-07-13. Review status: criteria provided, single submitter. Criteria: Invitae Variant Classification Sherloc (09022015). Collection method: clinical testing. Allele origin: germline.
Comment: This sequence change falls in intron 18 of the BRCA2 gene. It does not directly change the encoded amino acid sequence of the BRCA2 protein. It affects a nucleotide within the consensus splice site. This variant is not present in population databases (gnomAD no frequency). This variant has been observed in individual(s) with hereditary breast and/or ovarian cancer (PMID: 31843900). ClinVar contains an entry for this variant (Variation ID: 231812). Variants that disrupt the consensus splice site are a relatively common cause of aberrant splicing (PMID: 17576681, 9536098). Studies have shown that this variant is associated with inconclusive levels of altered splicing (internal data). In summary, the available evidence is currently insufficient to determine the role of this variant in disease. Therefore, it has been classified as a Variant of Uncertain Significance.

Mayo Clinic Laboratories, Mayo Clinic
Classification: Uncertain significance. Last evaluated: 2025-03-05. Review status: criteria provided, single submitter. Criteria: ACMG Guidelines, 2015. Collection method: clinical testing. Allele origin: germline. Observed: 1 variant allele.
Comment: PP3, PM2_supporting

Color Diagnostics, LLC DBA Color Health
Classification: Uncertain significance for Hereditary cancer-predisposing syndrome. Last evaluated: 2024-05-02. Review status: criteria provided, single submitter. Criteria: ACMG Guidelines, 2015. Collection method: clinical testing. Allele origin: germline.
Comment: This variant causes an A to C nucleotide substitution at the +3 position of intron 18 of the BRCA2 gene. Splice site prediction tools predict that this variant may have a significant impact on RNA splicing. An RNA study has reported that this variant results in two aberrant mRNA transcripts with premature truncations in the coding sequence that are predicted to trigger nonsense-mediated decay, however, the extent of this splicing defect is partial and some full-length transcript is still produced (PMID: 31843900). This variant has not been reported in individuals affected with hereditary cancer in the literature. This variant has not been identified in the general population by the Genome Aggregation Database (gnomAD). Although there is a suspicion that this variant may be associated with disease, additional studies are necessary to determine the role of this variant in disease conclusively. Therefore, this variant is classified as a Variant of Uncertain Significance.

Baylor Genetics
Classification: Uncertain significance for Familial cancer of breast. Last evaluated: 2023-12-14. Review status: criteria provided, single submitter. Criteria: ACMG Guidelines, 2015. Collection method: clinical testing. Allele origin: unknown.

All of Us Research Program, National Institutes of Health
Classification: Uncertain significance for Breast-ovarian cancer, familial, susceptibility to, 2. Last evaluated: 2023-12-01. Review status: criteria provided, single submitter. Criteria: ACMG Guidelines, 2015. Collection method: clinical testing. Allele origin: germline. Inheritance: Autosomal dominant inheritance. Observed: 3 variant alleles, 3 heterozygotes.
Comment: This study involves interpretation of variants in research participants for the purpose of population health screening. Participant phenotype was not available at the time of variant classification. Additional details can be found in publication PMID: 35346344, PMCID: PMC8962531

Institute for Genomic Medicine (IGM) Clinical Laboratory, Nationwide Children's Hospital
Classification: Uncertain significance for Hereditary cancer-predisposing syndrome. Last evaluated: 2023-11-02. Review status: criteria provided, single submitter. Criteria: ACMG Guidelines, 2015. Collection method: clinical testing. Allele origin: germline.
Comment: Well-established functional studies have demonstrated this variant to have a damaging effect on protein function or splicing (ACMG/AMP: PS3_Supporting; PMID:31843900). This variant is absent from or present at an exceedingly low frequency in gnomAD, a large-scale control population database (ACMG/AMP: PM2). This variant is predicted to alter protein function or structure, or disrupt splicing by multiple in silico tools (ACMG/AMP: PP3).

GeneDx
Classification: Uncertain significance. Last evaluated: 2022-07-18. Review status: criteria provided, single submitter. Criteria: GeneDx Variant Classification Process June 2021. Collection method: clinical testing. Allele origin: germline. Affected: yes.
Comment: Published functional studies are inconclusive: both wild type and aberrant transcript observed (Casadei et al., 2019); Not observed at significant frequency in large population cohorts (gnomAD); In silico analysis supports a deleterious effect on splicing; Also known as BRCA2 8559+3A>C; This variant is associated with the following publications: (PMID: 31843900)

Fulgent Genetics
Classification: Uncertain significance for Familial cancer of breast; Medulloblastoma; Familial prostate cancer; Wilms tumor 1; Fanconi anemia complementation group D1; Breast-ovarian cancer, familial, susceptibility to, 2; Glioma susceptibility 3; Pancreatic cancer, susceptibility to, 2. Last evaluated: 2022-03-27. Review status: criteria provided, single submitter. Criteria: ACMG Guidelines, 2015. Collection method: clinical testing. Allele origin: unknown.

Women's Health and Genetics/Laboratory Corporation of America, LabCorp
Classification: Uncertain significance. Last evaluated: 2019-09-23. Review status: criteria provided, single submitter. Criteria: LabCorp Variant Classification Summary - May 2015. Collection method: clinical testing. Allele origin: germline.
Comment: Variant summary: BRCA2 c.8331+3A>C alters a conserved nucleotide located close to a canonical splice site and therefore could affect mRNA splicing, leading to a significantly altered protein sequence. Several computational tools predict a significant impact on normal splicing: Three predict the variant weakens a 5 prime donor site. Two predict the variant abolishes a 5 prime splicing donor site. However, these predictions have yet to be confirmed by functional studies. The variant was absent in 245066 control chromosomes (gnomAD). The available data on variant occurrences in the general population are insufficient to allow any conclusion about variant significance. To our knowledge, no occurrence of c.8331+3A>C in individuals affected with Hereditary Breast and Ovarian Cancer and no experimental evidence demonstrating its impact on protein function have been reported. Three clinical diagnostic laboratories have submitted clinical-significance assessments for this variant to ClinVar after 2014 without evidence for independent evaluation. All laboratories classified the variant as uncertain significance. Based on the evidence outlined above, the variant was classified as uncertain significance.

King Laboratory, University of Washington
Classification: Pathogenic for Hereditary breast and ovarian cancer syndrome; Breast-ovarian cancer, familial 2. Last evaluated: 2019-09-01. Review status: no assertion criteria provided. Collection method: research. Allele origin: germline. Affected: yes. Not counted in ClinVar's aggregate classification.
Comment: Transcript analysis by cBROCA

Sharing Clinical Reports Project (SCRP)
Classification: Uncertain significance for Breast-ovarian cancer, familial 2. Last evaluated: 2009-05-05. Review status: no assertion criteria provided. Collection method: clinical testing. Allele origin: germline. Not counted in ClinVar's aggregate classification.

Literature cited by the submitters: PubMed 31843900 (cited by 5 submitters); PubMed 17576681 (cited by Labcorp Genetics (formerly Invitae), Labcorp); PubMed 9536098 (cited by Labcorp Genetics (formerly Invitae), Labcorp).

NM_000059.4(BRCA2):c.8331+3A>C

Gene: BRCA2 (BRCA2 DNA repair associated; plus strand). Cytogenetic location: 13q13.1.
Variant type: single nucleotide variant.
Coding change: c.8331+3A>C on transcript NM_000059.4 (MANE Select); 3 bases into the intron after coding-DNA position 8331, A replaced by C.
Molecular consequence: intron variant.
Genome position (GRCh38, 1-based): chr13:32,363,536, A>C. VCF-style: chr13-32363536-A-C. GRCh37 (hg19) VCF-style: chr13-32937673-A-C.
Other names: p.?; IVS18+3A>C.
Identifiers: ClinVar variation 231812 (VCV000231812.32), dbSNP rs876659382, ClinGen allele CA10579778.
Genomic context (GRCh38, chr13:32,363,536, plus strand): 5'-GGTGGGCTCTCCTGATGCCTGTACACCTCTTGAAGCCCCAGAATCTCTTATGTTAAAGGT[A>C]AATTAATTTGCACTCTTGGTAAAAATCAGTCATTGATTCAGTTAAATTCTAGAAGTTTTA-3'